The following is an entry in ClinVar:

ClinVar aggregate classification (germline): Pathogenic. Review status: criteria provided, multiple submitters, no conflicts (2 of 4 stars). 4 submissions from 4 submitters: Pathogenic (3). 1 of the submissions does not count toward it. Last evaluated 2026-02-03.

Conditions:
FG syndrome (FGS). Identifiers: MedGen C0220769, MONDO:0002010.
Familial thoracic aortic aneurysm and aortic dissection (TAAD). Also called: Thoracic aortic aneurysms and dissections. Identifiers: Orphanet 91387, MedGen C4707243, MONDO:0019625.
FG syndrome 1 (OKS). Also called: KELLER SYNDROME; MENTAL RETARDATION, LARGE HEAD, IMPERFORATE ANUS, CONGENITAL HYPOTONIA, AND PARTIAL AGENESIS OF CORPUS CALLOSUM; OPITZ-KAVEGGIA SYNDROME; FG Syndrome Type 1 (FGS1). Identifiers: Orphanet 93932, MedGen C5399762, MONDO:0010590, OMIM 305450.

Allele frequency attached by ClinVar (database versions not stated): gnomAD exomes below 0.00001.
gnomAD v4.1: 1 of 1,209,197 alleles (0.000083%); highest among the groups gnomAD compares: Non-Finnish European, 0.00011%; no homozygotes.

Submissions (4):

GeneDx
Classification: Pathogenic. Last evaluated: 2026-02-03. Review status: criteria provided, single submitter. Criteria: GeneDx Variant Classification Process June 2021. Collection method: clinical testing. Allele origin: germline. Affected: yes.
Comment: In silico analysis supports that this missense variant has a deleterious effect on protein structure/function; Not observed at significant frequency in large population cohorts (gnomAD); This variant is associated with the following publications: (PMID: 31536828, 25644381, 33925166, 23506379, 28369444, 30729724, 36271811, 38129817, Weaver2023[casereport])

Labcorp Genetics (formerly Invitae), Labcorp
Classification: Pathogenic for FG syndrome. Last evaluated: 2025-08-10. Review status: criteria provided, single submitter. Criteria: Invitae Variant Classification Sherloc (09022015). Collection method: clinical testing. Allele origin: germline.
Comment: This sequence change replaces arginine, which is basic and polar, with histidine, which is basic and polar, at codon 1295 of the MED12 protein (p.Arg1295His). This variant is not present in population databases (gnomAD no frequency). This missense change has been observed in individuals with X-linked recessive MED12-related conditions (PMID: 23506379, 28369444, 30729724, 36271811). It has also been observed to segregate with disease in related individuals. ClinVar contains an entry for this variant (Variation ID: 521365). Invitae Evidence Modeling of protein sequence and biophysical properties (such as structural, functional, and spatial information, amino acid conservation, physicochemical variation, residue mobility, and thermodynamic stability) indicates that this missense variant is not expected to disrupt MED12 protein function with a negative predictive value of 95%. Experimental studies have shown that this missense change affects MED12 function (PMID: 28369444). For these reasons, this variant has been classified as Pathogenic.

Ambry Genetics
Classification: Pathogenic for Familial thoracic aortic aneurysm and aortic dissection. Last evaluated: 2024-11-01. Review status: criteria provided, single submitter. Criteria: Ambry Variant Classification Scheme 2023. Collection method: clinical testing. Allele origin: germline.
Comment: The c.3884G>A (p.R1295H) alteration is located in exon 28 (coding exon 28) of the MED12 gene. This alteration results from a G to A substitution at nucleotide position 3884, causing the arginine (R) at amino acid position 1295 to be replaced by a histidine (H). This variant was not reported in population-based cohorts in the Genome Aggregation Database (gnomAD). This variant has been determined to be the result of a de novo mutation, has been identified in individuals with features consistent with MED12-related disorder, and segregated with disease in at least one family (Donnio, 2017; Srivastava, 2019; Maia, 2023; Callier, 2013; Ambry internal data). This amino acid position is highly conserved in available vertebrate species. This missense alteration is located in a region that has a low rate of benign missense variation (Lek, 2016; Firth, 2009). This alteration is predicted to be deleterious by in silico analysis. Based on the available evidence, this alteration is classified as pathogenic.

GeneReviews
No classification provided. Condition: FG syndrome. Review status: no classification provided. Collection method: literature only. Allele origin: germline. Not counted in ClinVar's aggregate classification.
Comment: Reported in persons with nonspecific intellectual disability and features of Lujan syndrome and in male sibs with features of FG syndrome type 1 and Lujan syndrome

Literature cited by the submitters: PubMed 23506379 (cited by Labcorp Genetics (formerly Invitae), Labcorp and Ambry Genetics); PubMed 28369444 (cited by 3 submitters); PubMed 30729724 (cited by 3 submitters); PubMed 36271811 (cited by Labcorp Genetics (formerly Invitae), Labcorp and Ambry Genetics); PubMed 25644381 (cited by Ambry Genetics); PubMed 30006928 (cited by GeneReviews); PubMed 20301719 (cited by GeneReviews).

NM_005120.3(MED12):c.3884G>A (p.Arg1295His)

Gene: MED12 (mediator complex subunit 12; plus strand). Cytogenetic location: Xq13.1.
Variant type: single nucleotide variant.
Coding change: c.3884G>A on transcript NM_005120.3 (MANE Select); coding-DNA position 3884, G replaced by A.
Protein change: p.Arg1295His; replaces arginine 1295 with histidine.
Molecular consequence: missense variant.
Genome position (GRCh38, 1-based): chrX:71,130,051, G>A. VCF-style: chrX-71130051-G-A. GRCh37 (hg19) VCF-style: chrX-70349901-G-A.
Other names: short protein forms R1295H.
Identifiers: ClinVar variation 521365 (VCV000521365.12), dbSNP rs1556337063, ClinGen allele CA413522935.